The following is an entry in ClinVar:

ClinVar aggregate classification (germline): Uncertain significance (1 of 4 stars; one submission).

Submission:

GeneDx
Classification: Uncertain significance. Last evaluated: 2023-04-22. Review status: criteria provided, single submitter. Criteria: GeneDx Variant Classification Process June 2021. Collection method: clinical testing. Allele origin: germline. Affected: yes.
Comment: Not observed at significant frequency in large population cohorts (gnomAD); In silico analysis supports that this missense variant does not alter protein structure/function; Has not been previously published as pathogenic or benign to our knowledge

NM_001270.4(CHD1):c.278T>G (p.Ile93Ser)

Gene: CHD1 (chromodomain helicase DNA binding protein 1; minus strand). Cytogenetic location: 5q21.1.
Variant type: single nucleotide variant.
Coding change: c.278T>G on transcript NM_001270.4 (MANE Select); coding-DNA position 278, T replaced by G.
Protein change: p.Ile93Ser; replaces isoleucine 93 with serine.
Molecular consequence: missense variant. On other transcripts: non-coding transcript variant (2).
Genome position (GRCh38, 1-based): chr5:98,903,886, A>C on the plus strand (T>G on the coding strand, the complement: CHD1 is on the minus strand). VCF-style: chr5-98903886-A-C. GRCh37 (hg19) VCF-style: chr5-98239590-A-C.
Other names: c.278T>G, p.Ile93Ser (NM_001364113.3, NM_001376194.2); short protein forms I93S.
Identifiers: ClinVar variation 2661937 (VCV002661937.1), dbSNP rs1751880307, ClinGen allele CA360523826.